The following is an entry in ClinVar:

ClinVar aggregate classification (germline): Pathogenic. Review status: criteria provided, multiple submitters, no conflicts (2 of 4 stars). 13 submissions from 13 submitters: Pathogenic (11). 2 of the submissions do not count toward it. Last evaluated 2025-12-27.

Conditions:
Inborn genetic diseases. Identifiers: MedGen C0950123, MeSH D030342.
GJB2-related disorder. Also called: GJB2-related condition; GJB2-related disorders. Identifiers: MedGen CN382183, MONDO:1060236.
Autosomal dominant keratitis-ichthyosis-hearing loss syndrome. Also called: Senter syndrome; KID SYNDROME, AUTOSOMAL DOMINANT; HID SYNDROME. Identifiers: Orphanet 477, MedGen C0265336, MONDO:0007850, OMIM 148210.
Autosomal recessive nonsyndromic hearing loss 1A (DFNB1A). Also called: GJB2-Related Autosomal Recessive Nonsyndromic Hearing Loss; GJB6-Related DFNB 1 Nonsyndromic Hearing Loss and Deafness; Connexin 26 deafness; Deafness nonsyndromic, Connexin 26 linked; Nonsyndromic Hearing Loss and Deafness, DFNB1; Deafness, autosomal recessive 1A. Identifiers: Orphanet 90636, MedGen C2673759, MONDO:0009076, OMIM 220290.
Palmoplantar keratoderma-deafness syndrome. Also called: Keratoderma palmoplantar, with deafness; Palmoplantar keratoderma and sensorineural deafness; Hereditary palmoplantar keratoderma with deafness (subtype); Focal palmoplantar keratoderma with sensorineural deafness (subtype); Diffuse palmoplantar keratoderma with deafness (subtype). Identifiers: Orphanet 2202, MedGen C1835672, MONDO:0007852, OMIM 148350.
Ichthyosis, hystrix-like, with hearing loss. Also called: Hystrix-like ichthyosis with deafness. Identifiers: Orphanet 477, MedGen C1865234, MONDO:0011245.
Knuckle pads, deafness AND leukonychia syndrome. Also called: Bart-Pumphrey syndrome. Identifiers: Orphanet 2698, MedGen C0266004, MONDO:0007866, OMIM 149200.
Autosomal dominant nonsyndromic hearing loss 3A. Identifiers: Orphanet 90635, MedGen C2675750, MONDO:0011103, OMIM 601544.
Mutilating keratoderma (VOWNKL). Also called: Keratoderma hereditarium mutilans. Identifiers: Orphanet 494, MedGen C0265964, MONDO:0007422, OMIM 124500.

Allele frequency attached by ClinVar (database versions not stated): gnomAD exomes 0.00001; gnomAD 0.00002; TOPMed 0.00002.

Submissions (13):

PreventionGenetics, part of Exact Sciences
Classification: Pathogenic for GJB2-related condition. Last evaluated: 2025-12-27. Review status: criteria provided, single submitter. Criteria: ACMG Guidelines, 2015. Collection method: clinical testing. Allele origin: germline.
Comment: The GJB2 c.290dupA variant is predicted to result in premature protein termination (p.Tyr97*). This variant was reported in the homozygous or compound heterozygous states in individuals with nonsyndromic hearing loss (described as c.291insA, Mustapha et al. 2001. PubMed ID: 11584050; Abbaspour Rodbaneh et al. 2021. PubMed ID: 34581455; Petrova et al. 2023. PubMed ID: 36743950). This variant is reported in 0.0031% of alleles in individuals of European (Non-Finnish) descent in gnomAD. Nonsense variants in GJB2 are expected to be pathogenic. This variant is interpreted as pathogenic.

Labcorp Genetics (formerly Invitae), Labcorp
Classification: Pathogenic. Last evaluated: 2025-10-26. Review status: criteria provided, single submitter. Criteria: Invitae Variant Classification Sherloc (09022015). Collection method: clinical testing. Allele origin: germline.
Comment: This sequence change creates a premature translational stop signal (p.Tyr97*) in the GJB2 gene. While this is not anticipated to result in nonsense mediated decay, it is expected to disrupt the last 130 amino acid(s) of the GJB2 protein. This variant is present in population databases (rs786204491, gnomAD 0.003%). This premature translational stop signal has been observed in individual(s) with autosomal recessive non-syndromic hearing loss (PMID: 11584050, 15070423, 19371219, 22695344). In at least one individual the data is consistent with being in trans (on the opposite chromosome) from a pathogenic variant. ClinVar contains an entry for this variant (Variation ID: 188821). For these reasons, this variant has been classified as Pathogenic.

GeneDx
Classification: Pathogenic. Last evaluated: 2025-05-30. Review status: criteria provided, single submitter. Criteria: GeneDx Variant Classification Process June 2021. Collection method: clinical testing. Allele origin: germline. Affected: yes.
Comment: Nonsense variant predicted to result in protein truncation, as the last 130 amino acid(s) are lost, and other loss-of-function variants have been reported downstream in HGMD; This variant is associated with the following publications: (PMID: 15488970, 24039984, 25012701, 22000900, 22695344, 15070423, 11584050, 25560255, 17935238, 19371219, 24529908, 28405014, 32747562, 31589614, 36743950, 34581455, 38378725)

Athena Diagnostics
Classification: Pathogenic. Last evaluated: 2025-04-21. Review status: criteria provided, single submitter. Criteria: Athena Diagnostics Criteria. Collection method: clinical testing. Allele origin: unknown.
Comment: This variant is expected to result in the loss of a functional protein. The frequency of this variant in the general population is consistent with pathogenicity. This variant has been identified in multiple unrelated individuals with autosomal recessive nonsyndromic hearing loss and deafness. In some published literature, this variant is referred to as 290insA. Computational tools yielded predictions that this variant is unlikely to have an effect on normal RNA splicing.

Blueprint Genetics
Classification: Pathogenic for GJB2-related disorders. Last evaluated: 2024-09-30. Review status: criteria provided, single submitter. Criteria: ACMG Guidelines, 2015. Collection method: clinical testing. Allele origin: germline. Affected: yes. Observed: 3 variant alleles.

Fulgent Genetics
Classification: Pathogenic for Mutilating keratoderma; Autosomal dominant keratitis-ichthyosis-hearing loss syndrome; Palmoplantar keratoderma-deafness syndrome; Knuckle pads, deafness AND leukonychia syndrome; Autosomal recessive nonsyndromic hearing loss 1A; Autosomal dominant nonsyndromic hearing loss 3A. Last evaluated: 2024-05-09. Review status: criteria provided, single submitter. Criteria: ACMG Guidelines, 2015. Collection method: clinical testing. Allele origin: germline.

Ambry Genetics
Classification: Pathogenic for Inborn genetic diseases. Last evaluated: 2023-09-25. Review status: criteria provided, single submitter. Criteria: Ambry Variant Classification Scheme 2023. Collection method: clinical testing. Allele origin: germline.
Comment: The c.290dupA (p.Y97*) alteration, located in exon 2 (coding exon 1) of the GJB2 gene, consists of a duplication of A at position 290. This changes the amino acid from an aspartic acid (D) to a stop codon at amino acid position 97. Premature stop codons are typically deleterious in nature; however, because GJB2 is a single-exon gene this alteration is not expected to trigger nonsense-mediated mRNA decay and a truncated protein could still be expressed (Maquat, 2004). This alteration removes the last 130 amino acids of the protein and the exact functional impact of these amino acids is unknown at this time. _x000D_ _x000D_ _x000D_ _x000D_ for autosomal recessive GJB2-related non-syndromic hearing loss; however, its clinical significance for autosomal dominant GJB2-related non-syndromic hearing loss and autosomal dominant GJB2-related syndromic hearing loss with ectodermal involvement is uncertain._x000D_ _x000D_ _x000D_ _x000D_ Manually add references to AVA4 alteration page for Maquat 2004:_x000D_ _x000D_ _x000D_ 15040442 Based on data from gnomAD, this allele has an overall frequency of 0.001% (4/282386) total alleles studied. The highest observed frequency was 0.003% (4/128904) of European (non-Finnish) alleles. This variant has been identified in the homozygous state or in trans with another GJB2 pathogenic variant in multiple individuals with clinical features of GJB2-related non-syndromic hearing loss (Mustapha, 2001; Abbaspour Rodbaneh, 2021; Bonyadi, 2014). Based on the available evidence, this alteration is classified as pathogenic.

Victorian Clinical Genetics Services, Murdoch Childrens Research Institute
Classification: Pathogenic for Autosomal recessive nonsyndromic hearing loss 1A. Last evaluated: 2023-07-16. Review status: criteria provided, single submitter. Criteria: ACMG Guidelines, 2015. Collection method: clinical testing. Allele origin: germline. Inheritance: Autosomal recessive inheritance.
Comment: Based on the classification scheme VCGS_Germline_v1.3.4, this variant is classified as Pathogenic. Following criteria are met: 0102 - Loss of function is a known mechanism of disease in this gene and is associated with both deafness and skin conditions (OMIM). Dominant negative is also a suggested mechanism (PMID: 28428247). (I) 0108 - This gene is associated with both recessive and dominant disease. The autosomal dominant diseases are commonly associated with missense variants. The autosomal recessive disease is associated with bi-allelic loss-of-function variants and includes missense and protein truncating variants (NIH Genetics Home Reference, PMID: 12792423). (I) 0115 - Variants in this gene are known to have variable expressivity. Severity can range from mild to profound with intrafamilial variability also commonly seen. Commonly, truncating variants are associated to a more severe hearing loss (PMID: 20301449). (I) 0204 - Variant is predicted to result in a truncated protein (premature termination codon is NOT located at least 54 nucleotides upstream of the final exon-exon junction) with at least 1/3 of the protein sequence affected. (SP) 0251 - This variant is heterozygous. (I) 0304 - Variant is present in gnomAD (v2) <0.01 (4 heterozygotes, 0 homozygotes). (SP) 0600 - Variant is results in the loss of part of the connexin domain (DECIPHER). (I) 0701 - Other protein truncating variants comparable to the one identified in this case have very strong previous evidence for pathogenicity. These variants have been reported many times as pathogenic (DECIPHER). (SP) 0801 - This variant has strong previous evidence of pathogenicity in unrelated individuals. This variant has been reported multiple times as pathogenic, and consistently reported in homozygous or compound heterozygous individuals with nonsyndromic hearing loss (ClinVar,, PMID: 28405014, PMID: 34581455, PMID: 19371219). (I) Legend: (SP) - Supporting pathogenic, (I) - Information, (SB) - Supporting benign

Institute of Medical Genetics and Applied Genomics, University Hospital Tübingen
Classification: Pathogenic. Last evaluated: 2020-10-23. Review status: criteria provided, single submitter. Criteria: ACMG Guidelines, 2015. Collection method: clinical testing. Allele origin: germline. Inheritance: Autosomal unknown. Affected: yes.

Knight Diagnostic Laboratories, Oregon Health and Sciences University
Classification: Pathogenic. Last evaluated: 2019-10-04. Review status: criteria provided, single submitter. Criteria: ACMG Guidelines, 2015. Collection method: clinical testing. Allele origin: germline. Observed: 1 variant allele.

Genomic Diagnostic Laboratory, Division of Genomic Diagnostics, Children's Hospital of Philadelphia
Classification: Pathogenic for Deafness, autosomal recessive 1A. Last evaluated: 2017-05-09. Review status: criteria provided, single submitter. Criteria: DGD Variant Analysis Guidelines. Collection method: clinical testing. Allele origin: germline. Affected: yes and no. Observed: 2 variant alleles.

Natera, Inc.
Classification: Pathogenic for Autosomal recessive deafness type 1A. Last evaluated: 2020-08-13. Review status: no assertion criteria provided. Collection method: clinical testing. Allele origin: germline. Not counted in ClinVar's aggregate classification.

Counsyl
Classification: Pathogenic for Autosomal recessive nonsyndromic hearing loss 1A. Last evaluated: 2018-02-28. Review status: no assertion criteria provided. Collection method: clinical testing. Allele origin: unknown. Not counted in ClinVar's aggregate classification.

Literature cited by the submitters: PubMed 11584050 (cited by 3 submitters); PubMed 15070423 (cited by Labcorp Genetics (formerly Invitae), Labcorp and Athena Diagnostics); PubMed 19371219 (cited by 3 submitters); PubMed 22695344 (cited by Labcorp Genetics (formerly Invitae), Labcorp and Athena Diagnostics); PubMed 34581455 (cited by 3 submitters); PubMed 28405014 (cited by Athena Diagnostics and Victorian Clinical Genetics Services, Murdoch Childrens Research Institute); PubMed 24529908 (cited by 3 submitters); PubMed 32747562 (cited by Athena Diagnostics); PubMed 36743950 (cited by Athena Diagnostics); PubMed 38378725 (cited by Athena Diagnostics); PubMed 23039283 (cited by Athena Diagnostics); PubMed 31952308 (cited by Athena Diagnostics); PubMed 17935238 (cited by Athena Diagnostics); PubMed 29595809 (cited by Athena Diagnostics); PubMed 25214170 (cited by Athena Diagnostics); PubMed 17666888 (cited by Athena Diagnostics); PubMed 16380907 (cited by Athena Diagnostics); PubMed 12792423 (cited by Victorian Clinical Genetics Services, Murdoch Childrens Research Institute); PubMed 28428247 (cited by Victorian Clinical Genetics Services, Murdoch Childrens Research Institute); PubMed 31160754 (cited by Victorian Clinical Genetics Services, Murdoch Childrens Research Institute); PubMed 20301449 (cited by Victorian Clinical Genetics Services, Murdoch Childrens Research Institute).

NM_004004.6(GJB2):c.290dup (p.Tyr97Ter)

Gene: GJB2 (gap junction protein beta 2; minus strand). Cytogenetic location: 13q12.11.
Variant type: Duplication.
Coding change: c.290dup on transcript NM_004004.6 (MANE Select); coding-DNA position 290, one base duplicated (A; older notation c.290dupA).
Protein change: p.Tyr97Ter; replaces tyrosine 97 with a stop codon.
Molecular consequence: nonsense.
Genome position (GRCh38, 1-based): chr13:20,189,292, T duplicated on the plus strand (A on the coding strand, the reverse complement: GJB2 is on the minus strand). VCF-style (leftmost placement, unchanged base first): chr13-20189291-G-GT. GRCh37 (hg19) VCF-style: chr13-20763430-G-GT.
Other names: c.290dup (NM_004004.5); short protein forms Y97*.
Identifiers: ClinVar variation 188821 (VCV000188821.27), dbSNP rs786204491, ClinGen allele CA274000.
Genomic context (GRCh38, chr13:20,189,291, plus strand): 5'-GTCCTTAAATTCACTCTTTATCTCCCCCTTGATGAACTTCCTCTTCTTCTCATGTCTCCG[G>GT]TAGGCCACGTGCATGGCCACTAGGAGCGCTGGCGTGGACACGAAGATCAGCTGCAGGGCC-3'